The following is an entry in ClinVar:

ClinVar aggregate classification (germline): Uncertain significance (1 of 4 stars; one submission).

Allele frequency attached by ClinVar (database versions not stated): TOPMed below 0.00001.

Submission:

Labcorp Genetics (formerly Invitae), Labcorp
Classification: Uncertain significance. Last evaluated: 2022-08-22. Review status: criteria provided, single submitter. Criteria: Invitae Variant Classification Sherloc (09022015). Collection method: clinical testing. Allele origin: germline.
Comment: This sequence change replaces isoleucine, which is neutral and non-polar, with valine, which is neutral and non-polar, at codon 195 of the TCIRG1 protein (p.Ile195Val). This variant is not present in population databases (gnomAD no frequency). This variant has not been reported in the literature in individuals affected with TCIRG1-related conditions. Algorithms developed to predict the effect of missense changes on protein structure and function (SIFT, PolyPhen-2, Align-GVGD) all suggest that this variant is likely to be tolerated. In summary, the available evidence is currently insufficient to determine the role of this variant in disease. Therefore, it has been classified as a Variant of Uncertain Significance.

NM_006019.4(TCIRG1):c.583A>G (p.Ile195Val)

Gene: TCIRG1 (T cell immune regulator 1, ATPase H+ transporting V0 subunit a3; plus strand). Cytogenetic location: 11q13.2.
Variant type: single nucleotide variant.
Coding change: c.583A>G on transcript NM_006019.4 (MANE Select); coding-DNA position 583, A replaced by G.
Protein change: p.Ile195Val; replaces isoleucine 195 with valine.
Molecular consequence: missense variant. On other transcripts: 5 prime UTR variant (2).
Genome position (GRCh38, 1-based): chr11:68,043,450, A>G. VCF-style: chr11-68043450-A-G. GRCh37 (hg19) VCF-style: chr11-67810917-A-G.
Other names: c.-328A>G (NM_001351059.2); c.-66A>G (NM_006053.4); short protein forms I195V.
Identifiers: ClinVar variation 1926154 (VCV001926154.2), dbSNP rs1855281698, ClinGen allele CA381577259.
Genomic context (GRCh38, chr11:68,043,450, plus strand): 5'-GAGCCCCACAAGGCCCCTGCCCTAGAGCGCCTGCTCTGGAGGGCCTGCCGCGGCTTCCTC[A>G]TTGCCAGCTTCAGGGAGCTGGAGCAGCCGCTGGAGCACCCCGTGACGGTGAGCAGCTGGC-3'
Protein context (NP_006010.2, residues 185-205): LLWRACRGFL[Ile195Val]ASFRELEQPL